The following is an entry in ClinVar:

ClinVar aggregate classification (germline): Uncertain significance (1 of 4 stars; one submission).

Allele frequency attached by ClinVar (database versions not stated): ExAC 0.00009; gnomAD 0.00015; 1000 Genomes Project 30x 0.00031; ESP Exome Variant Server 0.00038; 1000 Genomes Project 0.00040.
gnomAD v4.1: 153 of 1,614,128 alleles (0.0095%); highest among the groups gnomAD compares: African/African-American, 0.06%; no homozygotes.

Submission:

Labcorp Genetics (formerly Invitae), Labcorp
Classification: Uncertain significance. Last evaluated: 2025-11-23. Review status: criteria provided, single submitter. Criteria: Invitae Variant Classification Sherloc (09022015). Collection method: clinical testing. Allele origin: germline.
Comment: This sequence change replaces arginine, which is basic and polar, with glutamine, which is neutral and polar, at codon 1479 of the SLIT2 protein (p.Arg1479Gln). This variant is present in population databases (rs147726667, gnomAD 0.07%), and has an allele count higher than expected for a pathogenic variant. This variant has not been reported in the literature in individuals affected with SLIT2-related conditions. ClinVar contains an entry for this variant (Variation ID: 2421127). An algorithm developed to predict the effect of missense changes on protein structure and function (PolyPhen-2) suggests that this variant is likely to be disruptive. In summary, the available evidence is currently insufficient to determine the role of this variant in disease. Therefore, it has been classified as a Variant of Uncertain Significance.

NM_004787.4(SLIT2):c.4436G>A (p.Arg1479Gln)

Gene: SLIT2 (slit guidance ligand 2; plus strand). Cytogenetic location: 4p15.31.
Variant type: single nucleotide variant.
Coding change: c.4436G>A on transcript NM_004787.4 (MANE Select); coding-DNA position 4436, G replaced by A.
Protein change: p.Arg1479Gln; replaces arginine 1479 with glutamine.
Molecular consequence: missense variant.
Genome position (GRCh38, 1-based): chr4:20,618,855, G>A. VCF-style: chr4-20618855-G-A. GRCh37 (hg19) VCF-style: chr4-20620478-G-A.
Other names: c.4424G>A, p.Arg1475Gln (NM_001289135.3); c.4412G>A, p.Arg1471Gln (NM_001289136.3); short protein forms R1471Q, R1475Q, R1479Q.
Identifiers: ClinVar variation 2421127 (VCV002421127.5), dbSNP rs147726667, ClinGen allele CA2872453.
Genomic context (GRCh38, chr4:20,618,855, plus strand): 5'-GAGATTATTACCAAAAGCAGCAGGGCTATGCTGCTTGCCAAACAACCAAGAAGGTGTCCC[G>A]ATTAGAGTGCAGAGGTGGGTGTGCAGGAGGGCAGTGCTGTGGACCGCTGAGGAGCAAGCG-3'
Protein context (NP_004778.1, residues 1469-1489): AACQTTKKVS[Arg1479Gln]LECRGGCAGG